The following is an entry in ClinVar:

ClinVar aggregate classification (germline): Uncertain significance. Review status: criteria provided, multiple submitters, no conflicts (2 of 4 stars). 2 submissions from 2 submitters: Uncertain significance (2). Last evaluated 2025-02-28.

Conditions:
Hereditary cancer-predisposing syndrome. Also called: Tumor predisposition; Hereditary neoplastic syndrome; Hereditary Cancer Syndrome; Neoplastic Syndromes, Hereditary. Identifiers: Orphanet 140162, MedGen C0027672, MeSH D009386, MONDO:0015356.
EGFR-related lung cancer (EGFR). Identifiers: MedGen CN130014.

Allele frequency attached by ClinVar (database versions not stated): gnomAD exomes below 0.00001 and 0.00001; ExAC 0.00001; gnomAD 0.00002; TOPMed 0.00002; 1000 Genomes Project 30x 0.00016; 1000 Genomes Project 0.00020.
gnomAD v4.1: 7 of 1,614,184 alleles (0.00043%); highest among the groups gnomAD compares: African/African-American, 0.0053%; no homozygotes.

Submissions (2):

Ambry Genetics
Classification: Uncertain significance for Hereditary cancer-predisposing syndrome. Last evaluated: 2025-02-28. Review status: criteria provided, single submitter. Criteria: Ambry Variant Classification Scheme 2023. Collection method: clinical testing. Allele origin: germline.
Comment: The p.V948I variant (also known as c.2842G>A), located in coding exon 23 of the EGFR gene, results from a G to A substitution at nucleotide position 2842. The valine at codon 948 is replaced by isoleucine, an amino acid with highly similar properties. This amino acid position is highly conserved in available vertebrate species. In addition, the in silico prediction for this alteration is inconclusive. Based on the available evidence, the clinical significance of this variant remains unclear.

Labcorp Genetics (formerly Invitae), Labcorp
Classification: Uncertain significance for EGFR-related lung cancer. Last evaluated: 2023-11-21. Review status: criteria provided, single submitter. Criteria: Invitae Variant Classification Sherloc (09022015). Collection method: clinical testing. Allele origin: germline.
Comment: This sequence change replaces valine, which is neutral and non-polar, with isoleucine, which is neutral and non-polar, at codon 948 of the EGFR protein (p.Val948Ile). This variant is present in population databases (rs542967903, gnomAD 0.007%). This missense change has been observed in individual(s) with osteosarcoma (PMID: 32191290). ClinVar contains an entry for this variant (Variation ID: 962169). Advanced modeling of protein sequence and biophysical properties (such as structural, functional, and spatial information, amino acid conservation, physicochemical variation, residue mobility, and thermodynamic stability) performed at Invitae indicates that this missense variant is not expected to disrupt EGFR protein function with a negative predictive value of 80%. In summary, the available evidence is currently insufficient to determine the role of this variant in disease. Therefore, it has been classified as a Variant of Uncertain Significance.

Literature cited by the submitters: PubMed 32191290 (cited by Labcorp Genetics (formerly Invitae), Labcorp).

NM_005228.5(EGFR):c.2842G>A (p.Val948Ile)

Gene: EGFR (epidermal growth factor receptor; plus strand). Cytogenetic location: 7p11.2.
Variant type: single nucleotide variant.
Coding change: c.2842G>A on transcript NM_005228.5 (MANE Select); coding-DNA position 2842, G replaced by A.
Protein change: p.Val948Ile; replaces valine 948 with isoleucine.
Molecular consequence: missense variant.
Genome position (GRCh38, 1-based): chr7:55,198,857, G>A. VCF-style: chr7-55198857-G-A. GRCh37 (hg19) VCF-style: chr7-55266550-G-A.
Other names: c.2707G>A, p.Val903Ile (NM_001346897.2, NM_001346899.2); c.2842G>A, p.Val948Ile (NM_001346898.2); c.2683G>A, p.Val895Ile (NM_001346900.2); c.2041G>A, p.Val681Ile (NM_001346941.2); short protein forms V948I, V681I, V895I, V903I.
Identifiers: ClinVar variation 962169 (VCV000962169.9), dbSNP rs542967903, ClinGen allele CA4266185.